The following is an entry in ClinVar:

NM_003849.4(SUCLG1):c.627A>C (p.Ala209=)

Gene: SUCLG1 (succinate-CoA ligase GDP/ADP-forming subunit alpha; minus strand). Cytogenetic location: 2p11.2.
Variant type: single nucleotide variant.
Coding change: c.627A>C on transcript NM_003849.4 (MANE Select); coding-DNA position 627, A replaced by C.
Protein change: p.Ala209=; no amino-acid change (alanine 209 retained).
Molecular consequence: synonymous variant.
Genome position (GRCh38, 1-based): chr2:84,433,398, T>G on the plus strand (A>C on the coding strand, the complement: SUCLG1 is on the minus strand). VCF-style: chr2-84433398-T-G. GRCh37 (hg19) VCF-style: chr2-84660522-T-G.
Other names: p.A209A:GCA>GCC.
Identifiers: ClinVar variation 139371 (VCV000139371.26), dbSNP rs587781182, ClinGen allele CA293819.
Genomic context (GRCh38, chr2:84,433,398, plus strand): 5'-CAAAAGTCCCTCACCAACGCACAAAGACTGCCCCAATCCAACTTGCGTTGTTTGGTGAAC[T>G]GCTTCATAAGTCAGGGTGCCAGATCTGGACACAATGCCTTAACGAAAGAGAATTCAAAAA-3'
Protein context (NP_003840.2, residues 199-219): VSRSGTLTYE[Ala209=]VHQTTQVGLG

ClinVar aggregate classification (germline): Benign/Likely benign. Review status: criteria provided, multiple submitters, no conflicts (2 of 4 stars). 3 submissions from 3 submitters: Benign (1); Likely benign (2). Last evaluated 2023-12-01.

Allele frequency attached by ClinVar (database versions not stated): TOPMed below 0.00001; ExAC 0.00001; gnomAD 0.00001; gnomAD exomes 0.00001 and 0.00002.

Submissions (3):

CeGaT Center for Human Genetics Tuebingen
Classification: Likely benign. Last evaluated: 2023-12-01. Review status: criteria provided, single submitter. Criteria: CeGaT Center For Human Genetics Tuebingen Variant Classification Criteria Version 2. Collection method: clinical testing. Allele origin: germline. Affected: yes. Observed: 1 variant allele.
Comment: SUCLG1: BP4, BP7

Labcorp Genetics (formerly Invitae), Labcorp
Classification: Likely benign. Last evaluated: 2018-11-15. Review status: criteria provided, single submitter. Criteria: Invitae Variant Classification Sherloc (09022015). Collection method: clinical testing. Allele origin: germline.

GeneDx
Classification: Benign. Last evaluated: 2011-07-06. Review status: criteria provided, single submitter. Criteria: GeneDx Variant Classification (06012015). Collection method: clinical testing. Allele origin: germline. Affected: yes.
Comment: This variant is considered likely benign or benign based on one or more of the following criteria: it is a conservative change, it occurs at a poorly conserved position in the protein, it is predicted to be benign by multiple in silico algorithms, and/or has population frequency not consistent with disease.